The following is an entry in ClinVar:

ClinVar aggregate classification (germline): Likely benign (0 of 4 stars; one submission).

Conditions:
CDH15-related disorder. Also called: CDH15-related condition.

gnomAD v4.1: 9 of 1,560,202 alleles (0.00058%); highest among the groups gnomAD compares: Admixed American, 0.0073%; no homozygotes.

Submission:

PreventionGenetics, part of Exact Sciences
Classification: Likely benign for CDH15-related condition. Last evaluated: 2019-03-06. Review status: no assertion criteria provided. Collection method: clinical testing. Allele origin: germline.
Comment: This variant is classified as likely benign based on ACMG/AMP sequence variant interpretation guidelines (Richards et al. 2015 PMID: 25741868, with internal and published modifications).

NM_004933.3(CDH15):c.1851G>A (p.Leu617=)

Genes: CDH15 (cadherin 15; plus strand), LOC130059794 (ATAC-STARR-seq lymphoblastoid silent region 7894; plus strand). Cytogenetic location: 16q24.3.
Variant type: single nucleotide variant.
Coding change: c.1851G>A on transcript NM_004933.3 (MANE Select); coding-DNA position 1851, G replaced by A.
Protein change: p.Leu617=; no amino-acid change (leucine 617 retained).
Molecular consequence: synonymous variant.
Genome position (GRCh38, 1-based): chr16:89,192,440, G>A. VCF-style: chr16-89192440-G-A. GRCh37 (hg19) VCF-style: chr16-89258848-G-A.
Identifiers: ClinVar variation 3035019 (VCV003035019.2), dbSNP rs756248561, ClinGen allele CA286499820.